The following is an entry in ClinVar:

ClinVar aggregate classification (germline): Uncertain significance (1 of 4 stars; one submission).

Submission:

CeGaT Center for Human Genetics Tuebingen
Classification: Uncertain significance. Last evaluated: 2026-06-01. Review status: criteria provided, single submitter. Criteria: CeGaT Center For Human Genetics Tuebingen Variant Classification Criteria Version 2. Collection method: clinical testing. Allele origin: germline. Affected: yes. Observed: 1 variant allele.
Comment: XRCC1: PM2

NM_006297.3(XRCC1):c.379C>T (p.Arg127Trp)

Gene: XRCC1 (X-ray repair cross complementing 1; minus strand). Cytogenetic location: 19q13.31.
Variant type: single nucleotide variant.
Coding change: c.379C>T on transcript NM_006297.3 (MANE Select); coding-DNA position 379, C replaced by T.
Protein change: p.Arg127Trp; replaces arginine 127 with tryptophan.
Molecular consequence: missense variant.
Genome position (GRCh38, 1-based): chr19:43,554,681, G>A on the plus strand (C>T on the coding strand, the complement: XRCC1 is on the minus strand). VCF-style: chr19-43554681-G-A. GRCh37 (hg19) VCF-style: chr19-44058833-G-A.
Other names: short protein forms R127W.
Identifiers: ClinVar variation 4872167 (VCV004872167.2).